The following is an entry in ClinVar:

NM_145698.5(ACBD5):c.1300G>C (p.Gly434Arg)

Gene: ACBD5 (acyl-CoA binding domain containing 5; minus strand). Cytogenetic location: 10p12.1.
Variant type: single nucleotide variant.
Coding change: c.1300G>C on transcript NM_145698.5 (MANE Select); coding-DNA position 1300, G replaced by C.
Protein change: p.Gly434Arg; replaces glycine 434 with arginine.
Molecular consequence: missense variant.
Genome position (GRCh38, 1-based): chr10:27,208,350, C>G on the plus strand (G>C on the coding strand, the complement: ACBD5 is on the minus strand). VCF-style: chr10-27208350-C-G. GRCh37 (hg19) VCF-style: chr10-27497279-C-G.
Other names: c.1195G>C, p.Gly399Arg (NM_001352577.2, NM_001352578.2, NM_001352579.2 and 1 more transcripts); c.1141G>C, p.Gly381Arg (NM_001352580.2); c.1129G>C, p.Gly377Arg (NM_001352581.1); c.991G>C, p.Gly331Arg (NM_001352582.2); c.973G>C, p.Gly325Arg (NM_001352583.1, NM_001352584.1, NM_001301251.2 and 2 more transcripts); c.1006G>C, p.Gly336Arg (NM_001352585.1); c.1123G>C, p.Gly375Arg (NM_001352586.1); c.1294G>C, p.Gly432Arg (NM_001271512.3); and 10 more; short protein forms G325R, G331R, G445R, G364R, G366R, G375R, G399R, G257R.
Identifiers: ClinVar variation 1384294 (VCV001384294.6), dbSNP rs2060687838, ClinGen allele CA376373341.

ClinVar aggregate classification (germline): Uncertain significance (1 of 4 stars; one submission).

Submission:

Labcorp Genetics (formerly Invitae), Labcorp
Classification: Uncertain significance. Last evaluated: 2022-02-24. Review status: criteria provided, single submitter. Criteria: Invitae Variant Classification Sherloc (09022015). Collection method: clinical testing. Allele origin: germline.
Comment: This sequence change replaces glycine, which is neutral and non-polar, with arginine, which is basic and polar, at codon 434 of the ACBD5 protein (p.Gly434Arg). This variant is not present in population databases (gnomAD no frequency). This variant has not been reported in the literature in individuals affected with ACBD5-related conditions. Algorithms developed to predict the effect of missense changes on protein structure and function are either unavailable or do not agree on the potential impact of this missense change (SIFT: "Tolerated"; PolyPhen-2: "Probably Damaging"; Align-GVGD: "Class C0"). In summary, the available evidence is currently insufficient to determine the role of this variant in disease. Therefore, it has been classified as a Variant of Uncertain Significance.